The following is an entry in ClinVar:

ClinVar aggregate classification (germline): Uncertain significance (1 of 4 stars; one submission).

gnomAD v4.1: 20 of 1,588,866 alleles (0.0013%); highest among the groups gnomAD compares: Non-Finnish European, 0.0017%; no homozygotes.

Submission:

Labcorp Genetics (formerly Invitae), Labcorp
Classification: Uncertain significance. Last evaluated: 2025-05-04. Review status: criteria provided, single submitter. Criteria: Invitae Variant Classification Sherloc (09022015). Collection method: clinical testing. Allele origin: germline.
Comment: This sequence change falls in intron 17 of the CACNA1D gene. It does not directly change the encoded amino acid sequence of the CACNA1D protein. It affects a nucleotide within the consensus splice site. This variant is not present in population databases (gnomAD no frequency). This variant has not been reported in the literature in individuals affected with CACNA1D-related conditions. Variants that disrupt the consensus splice site are a relatively common cause of aberrant splicing (PMID: 17576681, 9536098). Algorithms developed to predict the effect of sequence changes on RNA splicing suggest that this variant is not likely to affect RNA splicing. In summary, the available evidence is currently insufficient to determine the role of this variant in disease. Therefore, it has been classified as a Variant of Uncertain Significance.

Literature cited by the submitters: PubMed 17576681; PubMed 9536098.

NM_001128840.3(CACNA1D):c.2337-3T>C

Gene: CACNA1D (calcium voltage-gated channel subunit alpha1 D; plus strand). Cytogenetic location: 3p21.1.
Variant type: single nucleotide variant.
Coding change: c.2337-3T>C on transcript NM_001128840.3 (MANE Select); 3 bases into the intron before coding-DNA position 2337, T replaced by C.
Molecular consequence: intron variant.
Genome position (GRCh38, 1-based): chr3:53,731,074, T>C. VCF-style: chr3-53731074-T-C. GRCh37 (hg19) VCF-style: chr3-53765101-T-C.
Other names: c.2337-3T>C (NM_001128839.3); c.2397-3T>C (NM_000720.4).
Identifiers: ClinVar variation 4707096 (VCV004707096.1).
Genomic context (GRCh38, chr3:53,731,074, plus strand): 5'-TAGCATTTTTATACAGAGTAACATGGTTATTTGGTTTCTTGTGCTCTTTTCTCTTCTCTT[T>C]AGAAAAGAGAGCCTAGAAAATAAAAAGAACAACAAACCAGAAGTCAACCAGATAGCCAAC-3'